The following is an entry in ClinVar:

ClinVar aggregate classification (germline): Uncertain significance (1 of 4 stars; one submission).

Conditions:
KAT6A-related disorder. Also called: KAT6A-related condition.

gnomAD v4.1: 1 of 1,614,224 alleles (0.000062%); highest among the groups gnomAD compares: Non-Finnish European, 0.000085%; no homozygotes.

Submission:

PreventionGenetics, part of Exact Sciences
Classification: Uncertain significance for KAT6A-related condition. Last evaluated: 2026-05-31. Review status: criteria provided, single submitter. Criteria: ACMG Guidelines, 2015. Collection method: clinical testing. Allele origin: germline.
Comment: The KAT6A c.441A>T variant is predicted to result in the amino acid substitution p.Leu147Phe. To our knowledge, this variant has not been reported in the literature or in a large population database (gnomAD), indicating this variant is rare. At this time, the clinical significance of this variant is uncertain due to the absence of conclusive functional and genetic evidence.

NM_006766.5(KAT6A):c.441A>T (p.Leu147Phe)

Gene: KAT6A (lysine acetyltransferase 6A; minus strand). Cytogenetic location: 8p11.21.
Variant type: single nucleotide variant.
Coding change: c.441A>T on transcript NM_006766.5 (MANE Select); coding-DNA position 441, A replaced by T.
Protein change: p.Leu147Phe; replaces leucine 147 with phenylalanine.
Molecular consequence: missense variant.
Genome position (GRCh38, 1-based): chr8:42,048,537, T>A on the plus strand (A>T on the coding strand, the complement: KAT6A is on the minus strand). VCF-style: chr8-42048537-T-A. GRCh37 (hg19) VCF-style: chr8-41906055-T-A.
Other names: c.441A>T, p.Leu147Phe (NM_001305878.2); short protein forms L147F.
Identifiers: ClinVar variation 4996661 (VCV004996661.1).